The following is an entry in ClinVar:

ClinVar aggregate classification (germline): Likely benign (1 of 4 stars; one submission).

Allele frequency attached by ClinVar (database versions not stated): 1000 Genomes Project 30x 0.00016; 1000 Genomes Project 0.00020; gnomAD exomes 0.00083; ExAC 0.00103; ESP Exome Variant Server 0.00113.
gnomAD v4.1: 1,293 of 1,589,166 alleles (0.081%); highest among the groups gnomAD compares: Non-Finnish European, 0.1%; 109 homozygotes.

Submission:

CeGaT Center for Human Genetics Tuebingen
Classification: Likely benign. Last evaluated: 2024-11-01. Review status: criteria provided, single submitter. Criteria: CeGaT Center For Human Genetics Tuebingen Variant Classification Criteria Version 2. Collection method: clinical testing. Allele origin: germline. Affected: yes. Observed: 4 variant alleles.
Comment: DMBT1: BP4, BP7, BS2

NM_001377530.1(DMBT1):c.1548C>A (p.Gly516=)

Gene: DMBT1 (deleted in malignant brain tumors 1; plus strand). Cytogenetic location: 10q26.13.
Variant type: single nucleotide variant.
Coding change: c.1548C>A on transcript NM_001377530.1 (MANE Select); coding-DNA position 1548, C replaced by A.
Protein change: p.Gly516=; no amino-acid change (glycine 516 retained).
Molecular consequence: synonymous variant. On other transcripts: intron variant (1).
Genome position (GRCh38, 1-based): chr10:122,586,148, C>A. VCF-style: chr10-122586148-C-A. GRCh37 (hg19) VCF-style: chr10-124345664-C-A.
Other names: c.1548C>A, p.Gly516= (NM_001320644.2, NM_007329.3); c.1518C>A, p.Gly506= (NM_017579.3); c.1420+1797C>A (NM_004406.3).
Identifiers: ClinVar variation 2640912 (VCV002640912.24), dbSNP rs201816514, ClinGen allele CA5726839.